The following is an entry in ClinVar:

NM_006231.4(POLE):c.258T>G (p.Phe86Leu)

Gene: POLE (DNA polymerase epsilon, catalytic subunit; minus strand). Cytogenetic location: 12q24.33.
Variant type: single nucleotide variant.
Coding change: c.258T>G on transcript NM_006231.4 (MANE Select); coding-DNA position 258, T replaced by G.
Protein change: p.Phe86Leu; replaces phenylalanine 86 with leucine.
Molecular consequence: missense variant.
Genome position (GRCh38, 1-based): chr12:132,680,634, A>C on the plus strand (T>G on the coding strand, the complement: POLE is on the minus strand). VCF-style: chr12-132680634-A-C. GRCh37 (hg19) VCF-style: chr12-133257220-A-C.
Other names: short protein forms F86L.
Identifiers: ClinVar variation 1793513 (VCV001793513.2), dbSNP rs1555230311, ClinGen allele CA387369113.
Genomic context (GRCh38, chr12:132,680,634, plus strand): 5'-GTGGGTTTTAGCTTGTCGCAGTCAGGGGCTTACCTTAAATCTGCTTCCGTCATCTTGAAT[A>C]AAGTAGTAATCCACTGCACTGCCTAAGCGCTTATCTTCATCTAAAATCTCGGTCTACAAG-3'
Protein context (NP_006222.2, residues 76-96): KRLGSAVDYY[Phe86Leu]IQDDGSRFKV

ClinVar aggregate classification (germline): Uncertain significance (1 of 4 stars; one submission).

Conditions:
Hereditary cancer-predisposing syndrome. Also called: Tumor predisposition; Hereditary Cancer Syndrome; Neoplastic Syndromes, Hereditary; Hereditary neoplastic syndrome. Identifiers: Orphanet 140162, MedGen C0027672, MeSH D009386, MONDO:0015356.

Submission:

Ambry Genetics
Classification: Uncertain significance for Hereditary cancer-predisposing syndrome. Last evaluated: 2022-05-16. Review status: criteria provided, single submitter. Criteria: Ambry Variant Classification Scheme 2023. Collection method: clinical testing. Allele origin: germline.
Comment: The p.F86L variant (also known as c.258T>G), located in coding exon 3 of the POLE gene, results from a T to G substitution at nucleotide position 258. The phenylalanine at codon 86 is replaced by leucine, an amino acid with highly similar properties. This amino acid position is conserved. In addition, the in silico prediction for this alteration is inconclusive. Since supporting evidence is limited at this time, the clinical significance of this alteration remains unclear.